The following is an entry in ClinVar:

ClinVar aggregate classification (germline): Uncertain significance (1 of 4 stars; one submission).

Conditions:
Ullrich congenital muscular dystrophy 2 (UCMD2). Identifiers: Orphanet 75840, MedGen C4225314, MONDO:0014654, OMIM 616470.
Bethlem myopathy 2 (BTHLM2). Identifiers: Orphanet 536516, Orphanet 610, MedGen C4225313, MONDO:0034022, OMIM 616471.

Submission:

Labcorp Genetics (formerly Invitae), Labcorp
Classification: Uncertain significance for Bethlem myopathy 2; Ullrich congenital muscular dystrophy 2. Last evaluated: 2022-07-05. Review status: criteria provided, single submitter. Criteria: Invitae Variant Classification Sherloc (09022015). Collection method: clinical testing. Allele origin: germline.
Comment: This variant is not present in population databases (gnomAD no frequency). In summary, the available evidence is currently insufficient to determine the role of this variant in disease. Therefore, it has been classified as a Variant of Uncertain Significance. Algorithms developed to predict the effect of missense changes on protein structure and function are either unavailable or do not agree on the potential impact of this missense change (SIFT: "Deleterious"; PolyPhen-2: "Probably Damaging"; Align-GVGD: "Class C0"). ClinVar contains an entry for this variant (Variation ID: 1474940). This variant has not been reported in the literature in individuals affected with COL12A1-related conditions. This sequence change replaces glycine, which is neutral and non-polar, with arginine, which is basic and polar, at codon 515 of the COL12A1 protein (p.Gly515Arg).

NM_004370.6(COL12A1):c.1543G>A (p.Gly515Arg)

Gene: COL12A1 (collagen type XII alpha 1 chain; minus strand). Cytogenetic location: 6q13.
Variant type: single nucleotide variant.
Coding change: c.1543G>A on transcript NM_004370.6 (MANE Select); coding-DNA position 1543, G replaced by A.
Protein change: p.Gly515Arg; replaces glycine 515 with arginine.
Molecular consequence: missense variant. On other transcripts: intron variant (1).
Genome position (GRCh38, 1-based): chr6:75,183,398, C>T on the plus strand (G>A on the coding strand, the complement: COL12A1 is on the minus strand). VCF-style: chr6-75183398-C-T. GRCh37 (hg19) VCF-style: chr6-75893114-C-T.
Other names: c.73+19322G>A (NM_080645.3); short protein forms G515R.
Identifiers: ClinVar variation 1474940 (VCV001474940.8), dbSNP rs2149466076, ClinGen allele CA364769724.
Genomic context (GRCh38, chr6:75,183,398, plus strand): 5'-TGCTAGGCACAAATATTTTCTCTCTGACATAAGTCATTGCTTTGCCAGTATTTGTAGATC[C>T]TCCTCTGTAAGGGAAGGTGTTTATTGCTTCAATTATATCTTCAACTTTGGTGAATTTTTT-3'
Protein context (NP_004361.3, residues 505-525): EAINTFPYRG[Gly515Arg]STNTGKAMTY